The following is an entry in ClinVar:

ClinVar aggregate classification (germline): Conflicting classifications of pathogenicity. Review status: criteria provided, conflicting classifications (1 of 4 stars). 2 submissions from 2 submitters: Uncertain significance (1); Likely benign (1). Last evaluated 2025-08-11.

Allele frequency attached by ClinVar (database versions not stated): ExAC 0.00001; gnomAD exomes 0.00001; TOPMed 0.00001; gnomAD 0.00003.
gnomAD v4.1: 17 of 1,613,142 alleles (0.0011%); highest among the groups gnomAD compares: South Asian, 0.0088%; no homozygotes.

Submissions (2):

Ambry Genetics
Classification: Uncertain significance. Last evaluated: 2025-08-11. Review status: criteria provided, single submitter. Criteria: Ambry Variant Classification Scheme 2023. Collection method: clinical testing. Allele origin: germline.

CeGaT Center for Human Genetics Tuebingen
Classification: Likely benign. Last evaluated: 2023-07-01. Review status: criteria provided, single submitter. Criteria: CeGaT Center For Human Genetics Tuebingen Variant Classification Criteria Version 2. Collection method: clinical testing. Allele origin: germline. Affected: yes. Observed: 1 variant allele.
Comment: PNPLA7: BP4

NM_001098537.3(PNPLA7):c.95C>T (p.Pro32Leu)

Gene: PNPLA7 (patatin like domain 7, lysophospholipase; minus strand). Cytogenetic location: 9q34.3.
Variant type: single nucleotide variant.
Coding change: c.95C>T on transcript NM_001098537.3 (MANE Select); coding-DNA position 95, C replaced by T.
Protein change: p.Pro32Leu; replaces proline 32 with leucine.
Molecular consequence: missense variant. On other transcripts: intron variant (1).
Genome position (GRCh38, 1-based): chr9:137,547,595, G>A on the plus strand (C>T on the coding strand, the complement: PNPLA7 is on the minus strand). VCF-style: chr9-137547595-G-A. GRCh37 (hg19) VCF-style: chr9-140442047-G-A.
Other names: c.95C>T (NM_001098537.1); c.31-199C>T (NM_152286.5); short protein forms P32L.
Identifiers: ClinVar variation 2659830 (VCV002659830.25), dbSNP rs779463059, ClinGen allele CA5372546.
Genomic context (GRCh38, chr9:137,547,595, plus strand): 5'-AAGGCCACGGCCCATCCAGGTCTGGCTCCAGGGAAGCGTGAGGTGATTACCATGGTGGAC[G>A]GTGAACCTTCCTCCGTGAACCACAGTCCCCAAGAGTGCAGGGCGGTGCCCAGGCAGAAGT-3'
Protein context (NP_001092007.2, residues 22-42): WGLWFTEEGS[Pro32Leu]STMLTGIAVG